The following is an entry in ClinVar:

ClinVar aggregate classification (germline): Uncertain significance (1 of 4 stars; one submission).

Conditions:
Hyperimmunoglobulin D with periodic fever (HIDS). Also called: Hyperimmunoglobulinemia D; Hyperimmunoglobulinemia D with periodic fever; HYPERIMMUNOGLOBULINEMIA D AND PERIODIC FEVER SYNDROME. Identifiers: Orphanet 343, MedGen C0398691, MONDO:0009849, OMIM 260920.
Porokeratosis 3, disseminated superficial actinic type (POROK3). Also called: POROKERATOSIS, DISSEMINATED SUPERFICIAL ACTINIC, 1; POROKERATOSIS 3, MULTIPLE TYPES; POROKERATOSIS 3, MIBELLI TYPE. Identifiers: MedGen C1867981, MONDO:0008293, OMIM 175900.
Mevalonic aciduria (MEVA). Identifiers: Orphanet 29, MedGen C1959626, MONDO:0012481, OMIM 610377.

Submission:

Labcorp Genetics (formerly Invitae), Labcorp
Classification: Uncertain significance for Mevalonic aciduria; Hyperimmunoglobulin D with periodic fever; Porokeratosis 3, disseminated superficial actinic type. Last evaluated: 2023-08-11. Review status: criteria provided, single submitter. Criteria: Invitae Variant Classification Sherloc (09022015). Collection method: clinical testing. Allele origin: germline.
Comment: In summary, the available evidence is currently insufficient to determine the role of this variant in disease. Therefore, it has been classified as a Variant of Uncertain Significance. Advanced modeling of protein sequence and biophysical properties (such as structural, functional, and spatial information, amino acid conservation, physicochemical variation, residue mobility, and thermodynamic stability) performed at Invitae indicates that this missense variant is expected to disrupt MVK protein function. This variant has not been reported in the literature in individuals affected with MVK-related conditions. This variant is not present in population databases (gnomAD no frequency). This sequence change replaces proline, which is neutral and non-polar, with leucine, which is neutral and non-polar, at codon 375 of the MVK protein (p.Pro375Leu).

NM_000431.4(MVK):c.1124C>T (p.Pro375Leu)

Gene: MVK (mevalonate kinase; plus strand). Cytogenetic location: 12q24.11.
Variant type: single nucleotide variant.
Coding change: c.1124C>T on transcript NM_000431.4 (MANE Select); coding-DNA position 1124, C replaced by T.
Protein change: p.Pro375Leu; replaces proline 375 with leucine.
Molecular consequence: missense variant. On other transcripts: 3 prime UTR variant (2), non-coding transcript variant (4).
Genome position (GRCh38, 1-based): chr12:109,596,510, C>T. VCF-style: chr12-109596510-C-T. GRCh37 (hg19) VCF-style: chr12-110034315-C-T.
Other names: c.*43C>T (NM_001414513.1, NM_001414514.1); c.542C>T, p.Pro181Leu (NM_001414515.1); c.968C>T, p.Pro323Leu (NM_001301182.2); c.1124C>T, p.Pro375Leu (NM_001414511.1, NM_001114185.3); c.1199C>T, p.Pro400Leu (NM_001414512.1); short protein forms P181L, P375L, P323L, P400L.
Identifiers: ClinVar variation 2950906 (VCV002950906.3), dbSNP rs2548642963, ClinGen allele CA386651392.